The following is an entry in ClinVar:

NM_003839.4(TNFRSF11A):c.784-1G>A

Gene: TNFRSF11A (TNF receptor superfamily member 11a; plus strand). Cytogenetic location: 18q21.33.
Variant type: single nucleotide variant.
Coding change: c.784-1G>A on transcript NM_003839.4 (MANE Select); the canonical splice acceptor site of the intron before coding-DNA position 784, G replaced by A.
Molecular consequence: splice acceptor variant. On other transcripts: intron variant (3).
Genome position (GRCh38, 1-based): chr18:62,368,700, G>A. VCF-style: chr18-62368700-G-A. GRCh37 (hg19) VCF-style: chr18-60035933-G-A.
Other names: c.783+1940G>A (NM_001270949.2); c.730+6907G>A (NM_001270950.2); c.616+8651G>A (NM_001270951.2); c.742-1G>A (NM_001278268.2).
Identifiers: ClinVar variation 3664269 (VCV003664269.2).

ClinVar aggregate classification (germline): Likely pathogenic (1 of 4 stars; one submission).

Submission:

Labcorp Genetics (formerly Invitae), Labcorp
Classification: Likely pathogenic. Last evaluated: 2024-10-02. Review status: criteria provided, single submitter. Criteria: Invitae Variant Classification Sherloc (09022015). Collection method: clinical testing. Allele origin: germline.
Comment: This sequence change affects an acceptor splice site in intron 8 of the TNFRSF11A gene. It is expected to disrupt RNA splicing. Variants that disrupt the donor or acceptor splice site typically lead to a loss of protein function (PMID: 16199547), and loss-of-function variants in TNFRSF11A are known to be pathogenic (PMID: 10677500, 18606301, 22271396). This variant is not present in population databases (gnomAD no frequency). This variant has not been reported in the literature in individuals affected with TNFRSF11A-related conditions. Algorithms developed to predict the effect of sequence changes on RNA splicing suggest that this variant may disrupt the consensus splice site. In summary, the currently available evidence indicates that the variant is pathogenic, but additional data are needed to prove that conclusively. Therefore, this variant has been classified as Likely Pathogenic.

Literature cited by the submitters: PubMed 16199547; PubMed 10677500; PubMed 18606301; PubMed 22271396.